The following is an entry in ClinVar:

ClinVar aggregate classification (germline): Uncertain significance (1 of 4 stars; one submission).

Allele frequency attached by ClinVar (database versions not stated): gnomAD exomes 0.00002; ExAC 0.00003; TOPMed 0.00005; ESP Exome Variant Server 0.00008.
gnomAD v4.1: 8 of 1,612,030 alleles (0.0005%); highest among the groups gnomAD compares: African/African-American, 0.008%; no homozygotes.

Submission:

Labcorp Genetics (formerly Invitae), Labcorp
Classification: Uncertain significance. Last evaluated: 2024-11-11. Review status: criteria provided, single submitter. Criteria: Invitae Variant Classification Sherloc (09022015). Collection method: clinical testing. Allele origin: germline.
Comment: This sequence change replaces methionine, which is neutral and non-polar, with threonine, which is neutral and polar, at codon 562 of the EYS protein (p.Met562Thr). This variant is present in population databases (rs371667376, gnomAD 0.03%). This variant has not been reported in the literature in individuals affected with EYS-related conditions. ClinVar contains an entry for this variant (Variation ID: 1475632). Invitae Evidence Modeling of protein sequence and biophysical properties (such as structural, functional, and spatial information, amino acid conservation, physicochemical variation, residue mobility, and thermodynamic stability) indicates that this missense variant is not expected to disrupt EYS protein function with a negative predictive value of 80%. In summary, the available evidence is currently insufficient to determine the role of this variant in disease. Therefore, it has been classified as a Variant of Uncertain Significance.

NM_001142800.2(EYS):c.1685T>C (p.Met562Thr)

Gene: EYS (EGF-like photoreceptor maintenance factor; minus strand). Cytogenetic location: 6q12.
Variant type: single nucleotide variant.
Coding change: c.1685T>C on transcript NM_001142800.2 (MANE Select); coding-DNA position 1685, T replaced by C.
Protein change: p.Met562Thr; replaces methionine 562 with threonine.
Molecular consequence: missense variant.
Genome position (GRCh38, 1-based): chr6:65,335,061, A>G on the plus strand (T>C on the coding strand, the complement: EYS is on the minus strand). VCF-style: chr6-65335061-A-G. GRCh37 (hg19) VCF-style: chr6-66044954-A-G.
Other names: c.1685T>C, p.Met562Thr (NM_001142801.2, NM_001292009.2, NM_198283.2); short protein forms M562T.
Identifiers: ClinVar variation 1475632 (VCV001475632.7), dbSNP rs371667376, ClinGen allele CA3877644.
Genomic context (GRCh38, chr6:65,335,061, plus strand): 5'-TTACAAACAGCTTCATGTTGACACTCATTTTCTTGATCATCAGTTGTATTTTCCAGATAC[A>G]TGTTGCCAGCCCATCTGAGAAAACATAGATACCGATATTCCTGACTGTCTTCTTCACTCA-3'
Protein context (NP_001136272.1, residues 552-572): YLCFLRWAGN[Met562Thr]YLENTTDDQE